The following is an entry in ClinVar:

NM_001300836.3(PLEKHJ1):c.763G>A (p.Gly255Arg)

Genes: DOT1L (DOT1 like histone lysine methyltransferase; plus strand), PLEKHJ1 (pleckstrin homology domain containing J1; minus strand). Cytogenetic location: 19p13.3.
Variant type: single nucleotide variant.
Coding change: c.763G>A on transcript NM_001300836.3; coding-DNA position 763, G replaced by A.
Protein change: p.Gly255Arg; replaces glycine 255 with arginine.
Molecular consequence: missense variant. On other transcripts: 3 prime UTR variant (2).
Genome position (GRCh38, 1-based): chr19:2,230,234, C>T on the plus strand (G>A on the coding strand, the complement: PLEKHJ1 is on the minus strand). VCF-style: chr19-2230234-C-T. GRCh37 (hg19) VCF-style: chr19-2230233-C-T.
Other names: c.*1887C>T (NM_001411141.1); c.*442C>T (NM_032482.3); short protein forms G255R.
Identifiers: ClinVar variation 3898168 (VCV003898168.7).

ClinVar aggregate classification (germline): Likely benign (1 of 4 stars; one submission).

gnomAD v4.1: 1,826 of 413,044 alleles (0.44%); highest among the groups gnomAD compares: Non-Finnish European, 0.61%; 7 homozygotes.

Submission:

CeGaT Center for Human Genetics Tuebingen
Classification: Likely benign. Last evaluated: 2026-05-01. Review status: criteria provided, single submitter. Criteria: CeGaT Center For Human Genetics Tuebingen Variant Classification Criteria Version 2. Collection method: clinical testing. Allele origin: germline. Affected: yes. Observed: 6 variant alleles.
Comment: PLEKHJ1: BS2